The following is an entry in ClinVar:

NM_130384.3(ATRIP):c.544T>A (p.Ser182Thr)

Genes: ATRIP (ATR interacting protein; plus strand), ATRIP-TREX1 (ATRIP-TREX1 readthrough; plus strand). Cytogenetic location: 3p21.31.
Variant type: single nucleotide variant.
Coding change: c.544T>A on transcript NM_130384.3 (MANE Select); coding-DNA position 544, T replaced by A.
Protein change: p.Ser182Thr; replaces serine 182 with threonine.
Molecular consequence: missense variant. On other transcripts: non-coding transcript variant (1).
Genome position (GRCh38, 1-based): chr3:48,451,891, T>A. VCF-style: chr3-48451891-T-A. GRCh37 (hg19) VCF-style: chr3-48493297-T-A.
Other names: c.163T>A, p.Ser55Thr (NM_001271022.2); c.265T>A, p.Ser89Thr (NM_001271023.2); c.544T>A, p.Ser182Thr (NM_032166.4); short protein forms S182T, S55T, S89T.
Identifiers: ClinVar variation 3975760 (VCV003975760.1).

ClinVar aggregate classification (germline): Uncertain significance (1 of 4 stars; one submission).

gnomAD v4.1: 22 of 1,602,818 alleles (0.0014%); highest among the groups gnomAD compares: South Asian, 0.021%; 1 homozygote.

Submission:

Ambry Genetics
Classification: Uncertain significance. Last evaluated: 2025-03-28. Review status: criteria provided, single submitter. Criteria: Ambry Variant Classification Scheme 2023. Collection method: clinical testing. Allele origin: germline.
Comment: The p.S182T variant (also known as c.544T>A), located in coding exon 3 of the ATRIP gene, results from a T to A substitution at nucleotide position 544. The serine at codon 182 is replaced by threonine, an amino acid with similar properties. This amino acid position is conserved. In addition, this alteration is predicted to be tolerated by in silico analysis. Based on the available evidence, the clinical significance of this variant remains unclear.